The following is an entry in ClinVar:

ClinVar aggregate classification (germline): Uncertain significance (1 of 4 stars; one submission).

Conditions:
Familial thoracic aortic aneurysm and aortic dissection (TAAD). Also called: Thoracic aortic aneurysms and dissections. Identifiers: Orphanet 91387, MedGen C4707243, MONDO:0019625.

gnomAD v4.1: 5 of 1,608,058 alleles (0.00031%); highest among the groups gnomAD compares: South Asian, 0.0022%; no homozygotes.

Submission:

Ambry Genetics
Classification: Uncertain significance for Familial thoracic aortic aneurysm and aortic dissection. Last evaluated: 2025-10-02. Review status: criteria provided, single submitter. Criteria: Ambry Variant Classification Scheme 2023. Collection method: clinical testing. Allele origin: germline.
Comment: The c.1086G>A variant (also known as p.R362R), located in coding exon 6 of the TGFB2 gene, results from a G to A substitution at nucleotide position 1086. This nucleotide substitution does not change the arginine at codon 362. However, this change occurs in the last base pair of coding exon 6, which makes it likely to have some effect on normal mRNA splicing. This nucleotide position is not well conserved in available vertebrate species. In silico splice site analysis predicts that this alteration will not have any significant effect on splicing. Based on the available evidence, the clinical significance of this variant remains unclear.

NM_003238.6(TGFB2):c.1086G>A (p.Arg362=)

Gene: TGFB2 (transforming growth factor beta 2; plus strand). Cytogenetic location: 1q41.
Variant type: single nucleotide variant.
Coding change: c.1086G>A on transcript NM_003238.6 (MANE Select); coding-DNA position 1086, G replaced by A.
Protein change: p.Arg362=; no amino-acid change (arginine 362 retained).
Molecular consequence: synonymous variant. On other transcripts: non-coding transcript variant (2).
Genome position (GRCh38, 1-based): chr1:218,437,496, G>A. VCF-style: chr1-218437496-G-A. GRCh37 (hg19) VCF-style: chr1-218610838-G-A.
Other names: c.1170G>A, p.Arg390= (NM_001135599.4).
Identifiers: ClinVar variation 1787742 (VCV001787742.3), dbSNP rs1473638198, ClinGen allele CA423173724.
Genomic context (GRCh38, chr1:218,437,496, plus strand): 5'-TGCCAACTTCTGTGCTGGAGCATGCCCGTATTTATGGAGTTCAGACACTCAGCACAGCAG[G>A]GTGAGTGTTCAGCTTACCTGTTGCCTCTGTTCTTGGGTTACCATGTGCACCTGCTGATAG-3'
Protein context (NP_003229.1, residues 352-372): YLWSSDTQHS[Arg362=]VLSLYNTINP